The following is an entry in ClinVar:

ClinVar aggregate classification (germline): Uncertain significance. Review status: criteria provided, multiple submitters, no conflicts (2 of 4 stars). 3 submissions from 3 submitters: Uncertain significance (3). Last evaluated 2025-05-01.

Conditions:
Primary dilated cardiomyopathy (DCM). Also called: Dilated Cardiomyopathy. Identifiers: Orphanet 217604, MedGen C0007193, MeSH D002311, MONDO:0005021, HP:0001644. Inheritance: Various modes of inheritance.
Charcot-Marie-Tooth disease type 2. Also called: Charcot-Marie-Tooth type 2. Identifiers: Orphanet 64746, MedGen C0270914, MONDO:0018993.

Allele frequency attached by ClinVar (database versions not stated): ExAC 0.00001; gnomAD 0.00001; 1000 Genomes Project 30x 0.00016; 1000 Genomes Project 0.00020.
gnomAD v4.1: 1 of 1,613,440 alleles (0.000062%); highest among the groups gnomAD compares: Admixed American, 0.0017%; no homozygotes.

Submissions (3):

CeGaT Center for Human Genetics Tuebingen
Classification: Uncertain significance. Last evaluated: 2025-05-01. Review status: criteria provided, single submitter. Criteria: CeGaT Center For Human Genetics Tuebingen Variant Classification Criteria Version 2. Collection method: clinical testing. Allele origin: germline. Affected: yes. Observed: 1 variant allele.
Comment: LMNA: PM2, BP4

All of Us Research Program, National Institutes of Health
Classification: Uncertain significance for Primary dilated cardiomyopathy. Last evaluated: 2024-03-05. Review status: criteria provided, single submitter. Criteria: ACMG Guidelines, 2015. Collection method: clinical testing. Allele origin: germline. Inheritance: Autosomal dominant inheritance. Observed: 1 variant allele, 1 heterozygote.
Comment: This study involves interpretation of variants in research participants for the purpose of population health screening. Participant phenotype was not available at the time of variant classification. Additional details can be found in publication PMID: 35346344, PMCID: PMC8962531

Labcorp Genetics (formerly Invitae), Labcorp
Classification: Uncertain significance for Charcot-Marie-Tooth disease type 2. Last evaluated: 2021-12-29. Review status: criteria provided, single submitter. Criteria: Invitae Variant Classification Sherloc (09022015). Collection method: clinical testing. Allele origin: germline.
Comment: This sequence change replaces serine, which is neutral and polar, with threonine, which is neutral and polar, at codon 301 of the LMNA protein (p.Ser301Thr). This variant is present in population databases (rs546272425, gnomAD 0.003%). This variant has not been reported in the literature in individuals affected with LMNA-related conditions. Algorithms developed to predict the effect of missense changes on protein structure and function are either unavailable or do not agree on the potential impact of this missense change (SIFT: "Deleterious"; PolyPhen-2: "Benign"; Align-GVGD: "Class C55"). In summary, the available evidence is currently insufficient to determine the role of this variant in disease. Therefore, it has been classified as a Variant of Uncertain Significance.

NM_170707.4(LMNA):c.902G>C (p.Ser301Thr)

Gene: LMNA (lamin A/C; plus strand). Cytogenetic location: 1q22.
Variant type: single nucleotide variant.
Coding change: c.902G>C on transcript NM_170707.4 (MANE Select); coding-DNA position 902, G replaced by C.
Protein change: p.Ser301Thr; replaces serine 301 with threonine.
Molecular consequence: missense variant.
Genome position (GRCh38, 1-based): chr1:156,135,278, G>C. VCF-style: chr1-156135278-G-C. GRCh37 (hg19) VCF-style: chr1-156105069-G-C.
Other names: c.566G>C, p.Ser189Thr (NM_001257374.3, NM_001406989.1, NM_001406998.1); c.659G>C, p.Ser220Thr (NM_001282624.2, NM_001406986.1, NM_001406987.1); c.902G>C, p.Ser301Thr (NM_001282625.2, NM_001282626.2, NM_001406983.1 and 6 more transcripts); c.605G>C, p.Ser202Thr (NM_001406988.1); c.344G>C, p.Ser115Thr (NM_001406990.1, NM_001406993.1, NM_001406995.1 and 4 more transcripts); c.238G>C, p.Ala80Pro (NM_001406994.1, NM_001406999.1, NM_001407000.1 and 1 more transcripts); short protein forms A80P, S115T, S189T, S220T, S202T, S301T.
Identifiers: ClinVar variation 2045344 (VCV002045344.12), dbSNP rs546272425, ClinGen allele CA054656.